The following is an entry in ClinVar:

ClinVar aggregate classification (germline): Uncertain significance (1 of 4 stars; one submission).

Conditions:
Inborn genetic diseases. Identifiers: MedGen C0950123, MeSH D030342.

Submission:

Ambry Genetics
Classification: Uncertain significance for Inborn genetic diseases. Last evaluated: 2022-11-02. Review status: criteria provided, single submitter. Criteria: Ambry Variant Classification Scheme 2023. Collection method: clinical testing. Allele origin: germline.
Comment: The c.3684_3689delTTGTAC (p.C1229_T1230del) alteration is located in exon 10 (coding exon 8) of the SETX gene. This alteration consists of an in-frame deletion of 6 nucleotides between nucleotide positions c.3684 and c.3689, resulting in the deletion of <NA> residues. Based on insufficient or conflicting evidence, the clinical significance of this alteration remains unclear.

NM_015046.7(SETX):c.3678TTGTAC[1] (p.1227CT[1])

Gene: SETX (senataxin; minus strand). Cytogenetic location: 9q34.13.
Variant type: Microsatellite.
Coding change: c.3678TTGTAC[1] on transcript NM_015046.7 (MANE Select); one copy of the 6-base unit TTGTAC starting at c.3678; the reference has two copies in a row; one copy, 6 bases deleted.
Protein change: p.1227CT[1].
Molecular consequence: inframe deletion. On other transcripts: inframe indel (2).
Genome position (GRCh38, 1-based): chr9:132,327,909-132,327,914, GTACAA deleted on the plus strand (TTGTAC on the coding strand, the reverse complement: SETX is on the minus strand); deleting any 6 consecutive bases within chr9:132,327,909-132,327,920 gives the same sequence; the position shown is the placement nearest the transcript's 3' end. VCF-style (leftmost placement, unchanged base first): chr9-132327908-TGTACAA-T. GRCh37 (hg19) VCF-style: chr9-135203295-TGTACAA-T.
Other names: c.3678TTGTAC[1], p.1227CT[1] (NM_001351527.2, NM_001351528.2); c.3678_3683TTGTAC[1], p.Cys1229_Thr1230del (NM_015046.5); c.3684_3689delTTGTAC (NM_015046.5).
Identifiers: ClinVar variation 2319189 (VCV002319189.2), dbSNP rs2539105348, ClinGen allele CA2580617118.